The following is an entry in ClinVar:

NM_000368.5(TSC1):c.378_379insCGT (p.Val126_Val127insArg)

Gene: TSC1 (TSC complex subunit 1; minus strand). Cytogenetic location: 9q34.13.
Variant type: Insertion.
Coding change: c.378_379insCGT on transcript NM_000368.5 (MANE Select); coding-DNA positions 378 to 379, CGT inserted.
Protein change: p.Val126_Val127insArg.
Molecular consequence: inframe insertion.
Genome position: GRCh38 VCF-style: chr9-132923477-C-CACG. GRCh37 (hg19) VCF-style: chr9-135798864-C-CACG.
Other names: c.378_379insCGT, p.Val126_Val127insArg (NM_001162426.2); c.225_226insCGT, p.Val75_Val76insArg (NM_001162427.2); c.15_16insCGT, p.Val5_Val6insArg (NM_001362177.2).
Identifiers: ClinVar variation 838348 (VCV000838348.9), dbSNP rs1846682853, ClinGen allele CA916081560.

ClinVar aggregate classification (germline): Likely pathogenic (1 of 4 stars; one submission).

Conditions:
Tuberous sclerosis 1 (TSC1). Identifiers: Orphanet 805, MedGen C1854465, MONDO:0008612, OMIM 191100.

Submission:

Labcorp Genetics (formerly Invitae), Labcorp
Classification: Likely pathogenic for Tuberous sclerosis 1. Last evaluated: 2019-08-15. Review status: criteria provided, single submitter. Criteria: Invitae Variant Classification Sherloc (09022015). Collection method: clinical testing. Allele origin: germline.
Comment: In summary, the currently available evidence indicates that the variant is pathogenic, but additional data are needed to prove that conclusively. Therefore, this variant has been classified as Likely Pathogenic. This variant has been observed in individual(s) with clinical features of tuberous sclerosis complex (Invitae). In at least one individual the variant was observed to be de novo. This variant is not present in population databases (ExAC no frequency). This variant, c.378_379insCGT, results in the insertion of 1 amino acid(s) to the TSC1 protein (p.Val126_Val127insArg), but otherwise preserves the integrity of the reading frame.